The following is an entry in ClinVar:

ClinVar aggregate classification (germline): Conflicting classifications of pathogenicity. Review status: criteria provided, conflicting classifications (1 of 4 stars). 3 submissions from 3 submitters: Uncertain significance (2); Benign (1). Last evaluated 2026-01-15.

Conditions:
Cardiovascular phenotype. Identifiers: MedGen CN230736.
Long QT syndrome (LQTS). Identifiers: MedGen C0023976, MeSH D008133, MONDO:0002442. Disease mechanism: loss of function. Inheritance: Various modes of inheritance.

Allele frequency attached by ClinVar (database versions not stated): gnomAD 0.00005 and 0.00008; TOPMed 0.00006; ESP Exome Variant Server 0.00008; gnomAD exomes 0.00009 and 0.00012; ExAC 0.00014.

Submissions (3):

Labcorp Genetics (formerly Invitae), Labcorp
Classification: Uncertain significance for Long QT syndrome. Last evaluated: 2026-01-15. Review status: criteria provided, single submitter. Criteria: Invitae Variant Classification Sherloc (09022015). Collection method: clinical testing. Allele origin: germline.
Comment: This sequence change replaces arginine, which is basic and polar, with glutamine, which is neutral and polar, at codon 274 of the SNTA1 protein (p.Arg274Gln). This variant is present in population databases (rs137986136, gnomAD 0.08%), and has an allele count higher than expected for a pathogenic variant. This missense change has been observed in individual(s) with Brugada syndrome (PMID: 26220970). ClinVar contains an entry for this variant (Variation ID: 180529). Invitae Evidence Modeling of protein sequence and biophysical properties (such as structural, functional, and spatial information, amino acid conservation, physicochemical variation, residue mobility, and thermodynamic stability) indicates that this missense variant is not expected to disrupt SNTA1 protein function with a negative predictive value of 80%. In summary, the available evidence is currently insufficient to determine the role of this variant in disease. Therefore, it has been classified as a Variant of Uncertain Significance.

Blueprint Genetics
Classification: Uncertain significance. Last evaluated: 2024-11-18. Review status: criteria provided, single submitter. Criteria: ACMG Guidelines, 2015. Collection method: clinical testing. Allele origin: germline.

Ambry Genetics
Classification: Benign for Cardiovascular phenotype. Last evaluated: 2023-04-10. Review status: criteria provided, single submitter. Criteria: Ambry Variant Classification Scheme 2023. Collection method: clinical testing. Allele origin: germline.

Literature cited by the submitters: PubMed 26220970 (cited by Labcorp Genetics (formerly Invitae), Labcorp).

NM_003098.3(SNTA1):c.821G>A (p.Arg274Gln)

Gene: SNTA1 (syntrophin alpha 1; minus strand). Cytogenetic location: 20q11.21.
Variant type: single nucleotide variant.
Coding change: c.821G>A on transcript NM_003098.3 (MANE Select); coding-DNA position 821, G replaced by A.
Protein change: p.Arg274Gln; replaces arginine 274 with glutamine.
Molecular consequence: missense variant.
Genome position (GRCh38, 1-based): chr20:33,412,663, C>T on the plus strand (G>A on the coding strand, the complement: SNTA1 is on the minus strand). VCF-style: chr20-33412663-C-T. GRCh37 (hg19) VCF-style: chr20-32000469-C-T.
Other names: short protein forms R274Q.
Identifiers: ClinVar variation 180529 (VCV000180529.12), dbSNP rs137986136, ClinGen allele CA346671.